The following is an entry in ClinVar:

NM_001735.3(C5):c.3199A>C (p.Ser1067Arg)

Gene: C5 (complement C5; minus strand). Cytogenetic location: 9q33.2.
Variant type: single nucleotide variant.
Coding change: c.3199A>C on transcript NM_001735.3 (MANE Select); coding-DNA position 3199, A replaced by C.
Protein change: p.Ser1067Arg; replaces serine 1067 with arginine.
Molecular consequence: missense variant.
Genome position (GRCh38, 1-based): chr9:120,989,077, T>G on the plus strand (A>C on the coding strand, the complement: C5 is on the minus strand). VCF-style: chr9-120989077-T-G. GRCh37 (hg19) VCF-style: chr9-123751355-T-G.
Other names: c.3217A>C, p.Ser1073Arg (NM_001317163.2); short protein forms S1073R, S1067R.
Identifiers: ClinVar variation 1420926 (VCV001420926.4), dbSNP rs377417930, ClinGen allele CA5217542.
Genomic context (GRCh38, chr9:120,989,077, plus strand): 5'-GAAAATGCAACTCAAAATCTTCTACTTACCAAGTGCTAGCACTTCCACCCTTCCACACAC[T>G]GTAAGAGTAGTCAGCATTTCTGTAGGACATAATGCTCAACATCCCTAAGAAGCACAAGAA-3'
Protein context (NP_001726.2, residues 1057-1077): MSYRNADYSY[Ser1067Arg]VWKGGSASTW

ClinVar aggregate classification (germline): Uncertain significance. Review status: criteria provided, multiple submitters, no conflicts (2 of 4 stars). 2 submissions from 2 submitters: Uncertain significance (2). Last evaluated 2022-06-23.

Conditions:
Complement component 5 deficiency. Also called: C5 DEFICIENCY. Identifiers: MedGen C0343047, MONDO:0012295, OMIM 609536.
Eculizumab, poor response to. Identifiers: MedGen C3810402, OMIM 615749.

Allele frequency attached by ClinVar (database versions not stated): ExAC 0.00007; gnomAD exomes 0.00009 and 0.00016; ESP Exome Variant Server 0.00015; TOPMed 0.00019.
gnomAD v4.1: 262 of 1,613,820 alleles (0.016%); highest among the groups gnomAD compares: Non-Finnish European, 0.02%; no homozygotes.

Submissions (2):

Labcorp Genetics (formerly Invitae), Labcorp
Classification: Uncertain significance. Last evaluated: 2022-06-23. Review status: criteria provided, single submitter. Criteria: Invitae Variant Classification Sherloc (09022015). Collection method: clinical testing. Allele origin: germline.
Comment: This sequence change replaces serine, which is neutral and polar, with arginine, which is basic and polar, at codon 1067 of the C5 protein (p.Ser1067Arg). This variant is present in population databases (rs377417930, gnomAD 0.02%). This variant has not been reported in the literature in individuals affected with C5-related conditions. Algorithms developed to predict the effect of missense changes on protein structure and function are either unavailable or do not agree on the potential impact of this missense change (SIFT: "Tolerated"; PolyPhen-2: "Possibly Damaging"; Align-GVGD: "Class C0"). In summary, the available evidence is currently insufficient to determine the role of this variant in disease. Therefore, it has been classified as a Variant of Uncertain Significance.

Fulgent Genetics
Classification: Uncertain significance for Complement component 5 deficiency; Eculizumab, poor response to. Last evaluated: 2022-05-23. Review status: criteria provided, single submitter. Criteria: ACMG Guidelines, 2015. Collection method: clinical testing. Allele origin: unknown.